The following is an entry in ClinVar:

ClinVar aggregate classification (germline): Likely benign (1 of 4 stars; one submission).

Allele frequency attached by ClinVar (database versions not stated): ExAC 0.00022; gnomAD 0.00023; gnomAD exomes 0.00028; 1000 Genomes Project 30x 0.00031; TOPMed 0.00031; 1000 Genomes Project 0.00040; ESP Exome Variant Server 0.00047.
gnomAD v4.1: 455 of 1,613,962 alleles (0.028%); highest among the groups gnomAD compares: Admixed American, 0.058%; no homozygotes.

Submission:

CeGaT Center for Human Genetics Tuebingen
Classification: Likely benign. Last evaluated: 2022-10-01. Review status: criteria provided, single submitter. Criteria: CeGaT Center For Human Genetics Tuebingen Variant Classification Criteria Version 2. Collection method: clinical testing. Allele origin: germline. Affected: yes. Observed: 1 variant allele.
Comment: DIP2A: BP4, BP7

NM_015151.4(DIP2A):c.2481C>T (p.Thr827=)

Gene: DIP2A (DIP2 acetate--CoA ligase A; plus strand). Cytogenetic location: 21q22.3.
Variant type: single nucleotide variant.
Coding change: c.2481C>T on transcript NM_015151.4 (MANE Select); coding-DNA position 2481, C replaced by T.
Protein change: p.Thr827=; no amino-acid change (threonine 827 retained).
Molecular consequence: synonymous variant.
Genome position (GRCh38, 1-based): chr21:46,547,001, C>T. VCF-style: chr21-46547001-C-T. GRCh37 (hg19) VCF-style: chr21-47966914-C-T.
Other names: c.2352C>T, p.Thr784= (NM_001146115.2); c.2469C>T, p.Thr823= (NM_001146116.2); c.2484C>T, p.Thr828= (NM_001353942.2); c.2481C>T, p.Thr827= (NM_001353943.2, NM_001410751.1, NM_206889.3 and 1 more transcripts); c.2232C>T, p.Thr744= (NM_001353944.2).
Identifiers: ClinVar variation 2652833 (VCV002652833.24), dbSNP rs201728465, ClinGen allele CA10082402.
Genomic context (GRCh38, chr21:46,547,001, plus strand): 5'-ACTGGACGGGCTGATGGTCACTGGAGTTCGCAGACACAATGCAGATGACGTTGTGGCCAC[C>T]GCACTGGCCGTGGAGCCCATGAAGTTTGTCTACAGAGGCAGGTGATGCGCTGCGGACCCC-3'
Protein context (NP_055966.2, residues 817-837): RRHNADDVVA[Thr827=]ALAVEPMKFV